The following is an entry in ClinVar:

ClinVar aggregate classification (germline): Uncertain significance (1 of 4 stars; one submission).

Conditions:
Hereditary cancer-predisposing syndrome. Also called: Neoplastic Syndromes, Hereditary; Tumor predisposition; Hereditary Cancer Syndrome; Hereditary neoplastic syndrome. Identifiers: Orphanet 140162, MedGen C0027672, MeSH D009386, MONDO:0015356.

Submission:

Ambry Genetics
Classification: Uncertain significance for Hereditary cancer-predisposing syndrome. Last evaluated: 2025-12-08. Review status: criteria provided, single submitter. Criteria: Ambry Variant Classification Scheme 2023. Collection method: clinical testing. Allele origin: germline.
Comment: The p.D635N variant (also known as c.1903G>A), located in coding exon 15 of the POLD1 gene, results from a G to A substitution at nucleotide position 1903. The aspartic acid at codon 635 is replaced by asparagine, an amino acid with highly similar properties. This amino acid position is conserved. In addition, this alteration is predicted to be tolerated by in silico analysis. Based on the available evidence, the clinical significance of this variant remains unclear.

NM_002691.4(POLD1):c.1903G>A (p.Asp635Asn)

Gene: POLD1 (DNA polymerase delta 1, catalytic subunit; plus strand). Cytogenetic location: 19q13.33.
Variant type: single nucleotide variant.
Coding change: c.1903G>A on transcript NM_002691.4 (MANE Select); coding-DNA position 1903, G replaced by A.
Protein change: p.Asp635Asn; replaces aspartic acid 635 with asparagine.
Molecular consequence: missense variant. On other transcripts: non-coding transcript variant (1).
Genome position (GRCh38, 1-based): chr19:50,409,132, G>A. VCF-style: chr19-50409132-G-A. GRCh37 (hg19) VCF-style: chr19-50912389-G-A.
Other names: c.1903G>A, p.Asp635Asn (NM_001256849.1, NM_001438210.1, NM_001438211.1 and 2 more transcripts); c.1981G>A, p.Asp661Asn (NM_001308632.1); short protein forms D661N, D635N.
Identifiers: ClinVar variation 4669472 (VCV004669472.1).
Genomic context (GRCh38, chr19:50,409,132, plus strand): 5'-GGCTGGAGCAGGAGGGTGGCCGGCAGTCACCCCAACATCTTCCAACCCAGCCTGACTGAG[G>A]ATCAGTTCATCAGGACCCCCACCGGGGACGAGTTTGTGAAGACCTCAGTGCGGAAGGGGC-3'
Protein context (NP_002682.2, residues 625-645): GTAQKLGLTE[Asp635Asn]QFIRTPTGDE